The following is an entry in ClinVar:

ClinVar aggregate classification (germline): Uncertain significance. Review status: criteria provided, multiple submitters, no conflicts (2 of 4 stars). 4 submissions from 4 submitters: Uncertain significance (4). Last evaluated 2025-07-30.

Conditions:
Autosomal recessive limb-girdle muscular dystrophy type 2Q (LGMDR17). Also called: MUSCULAR DYSTROPHY, LIMB-GIRDLE, AUTOSOMAL RECESSIVE 17. Identifiers: Orphanet 254361, MedGen C3150989, MONDO:0013390, OMIM 613723.
Epidermolysis bullosa simplex with nail dystrophy (EBS5D). Identifiers: MedGen C4225309, MONDO:0014661, OMIM 616487.
Epidermolysis bullosa simplex 5B, with muscular dystrophy (EBS5B). Also called: EPIDERMOLYSIS BULLOSA SIMPLEX AND LIMB-GIRDLE MUSCULAR DYSTROPHY; Epidermolysis bullosa simplex with muscular dystrophy. Identifiers: Orphanet 257, MedGen C2931072, MONDO:0009181, OMIM 226670.
Epidermolysis bullosa simplex, Ogna type (EBS5A). Also called: Pidermolysis bullosa simplex 5A, Ogna type; EPIDERMOLYSIS BULLOSA SIMPLEX 5A, OGNA TYPE. Identifiers: Orphanet 79401, MedGen C0432317, MONDO:0007555, OMIM 131950.
Epidermolysis bullosa simplex 5C, with pyloric atresia (EBS5C). Also called: PLEC-Related Epidermolysis Bullosa with Pyloric Atresia; Epidermolysis bullosa simplex with pyloric atresia; PLEC1-Related Epidermolysis Bullosa with Pyloric Atresia. Identifiers: Orphanet 158684, MedGen C2677349, MONDO:0012807, OMIM 612138.
Inborn genetic diseases. Identifiers: MedGen C0950123, MeSH D030342.

Allele frequency attached by ClinVar (database versions not stated): gnomAD 0.00001; TOPMed 0.00002; ExAC 0.00005; gnomAD exomes 0.00009.

Submissions (4):

Labcorp Genetics (formerly Invitae), Labcorp
Classification: Uncertain significance for Autosomal recessive limb-girdle muscular dystrophy type 2Q; Epidermolysis bullosa simplex, Ogna type; Epidermolysis bullosa simplex with nail dystrophy; Epidermolysis bullosa simplex 5C, with pyloric atresia; Epidermolysis bullosa simplex 5B, with muscular dystrophy. Last evaluated: 2025-07-30. Review status: criteria provided, single submitter. Criteria: Invitae Variant Classification Sherloc (09022015). Collection method: clinical testing. Allele origin: germline.
Comment: This sequence change replaces arginine, which is basic and polar, with tryptophan, which is neutral and slightly polar, at codon 2136 of the PLEC protein (p.Arg2136Trp). This variant is present in population databases (rs782507277, gnomAD 0.007%). This variant has not been reported in the literature in individuals affected with PLEC-related conditions. ClinVar contains an entry for this variant (Variation ID: 1021127). An algorithm developed to predict the effect of missense changes on protein structure and function outputs the following: PolyPhen-2: "Benign". The tryptophan amino acid residue is found in multiple mammalian species, which suggests that this missense change does not adversely affect protein function. In summary, the available evidence is currently insufficient to determine the role of this variant in disease. Therefore, it has been classified as a Variant of Uncertain Significance.

Ambry Genetics
Classification: Uncertain significance for Inborn genetic diseases. Last evaluated: 2025-01-22. Review status: criteria provided, single submitter. Criteria: Ambry Variant Classification Scheme 2023. Collection method: clinical testing. Allele origin: germline.

Johns Hopkins Genomics, Johns Hopkins University
Classification: Uncertain significance for Autosomal recessive limb-girdle muscular dystrophy type 2Q. Last evaluated: 2022-06-02. Review status: criteria provided, single submitter. Criteria: ACMG Guidelines, 2015. Collection method: clinical testing. Allele origin: germline.
Comment: This PLEC variant (rs782507277) is rare (<0.1%) in a large population dataset (gnomAD: 9/214444 total alleles; 0.004%; no homozygotes) and has been reported in ClinVar. It has not been reported in the literature in individuals with PLEC-related disorders. Two bioinformatic tools queried predict that this substitution would be tolerated, and the arginine residue at this position is weakly conserved across the vertebrate species assessed. Bioinformatic analysis predicts that this variant would not affect normal exon 31 splicing, although this has not been confirmed experimentally to our knowledge. Due to insufficient evidence, we consider the clinical significance of c.6325C>T to be uncertain at this time.

Revvity Omics, Revvity
Classification: Uncertain significance. Last evaluated: 2019-12-27. Review status: criteria provided, single submitter. Criteria: ACMG Guidelines, 2015. Collection method: clinical testing. Allele origin: germline.

Literature cited by the submitters: PubMed 28447722 (cited by Johns Hopkins Genomics, Johns Hopkins University); PubMed 34572129 (cited by Johns Hopkins Genomics, Johns Hopkins University).

NM_201384.3(PLEC):c.6325C>T (p.Arg2109Trp)

Gene: PLEC (plectin; minus strand). Cytogenetic location: 8q24.3.
Variant type: single nucleotide variant.
Coding change: c.6325C>T on transcript NM_201384.3 (MANE Select); coding-DNA position 6325, C replaced by T.
Protein change: p.Arg2109Trp; replaces arginine 2109 with tryptophan.
Molecular consequence: missense variant.
Genome position (GRCh38, 1-based): chr8:143,923,604, G>A on the plus strand (C>T on the coding strand, the complement: PLEC is on the minus strand). VCF-style: chr8-143923604-G-A. GRCh37 (hg19) VCF-style: chr8-144997772-G-A.
Other names: c.6406C>T (NM_000445.3); c.6406C>T, p.Arg2136Trp (NM_000445.5); c.6283C>T, p.Arg2095Trp (NM_201378.4); c.6259C>T, p.Arg2087Trp (NM_201379.3); c.6736C>T, p.Arg2246Trp (NM_201380.4); c.6229C>T, p.Arg2077Trp (NM_201381.3); c.6325C>T, p.Arg2109Trp (NM_201382.4); c.6337C>T, p.Arg2113Trp (NM_201383.3); short protein forms R2077W, R2087W, R2095W, R2109W, R2113W, R2136W, R2246W.
Identifiers: ClinVar variation 1021127 (VCV001021127.10), dbSNP rs782507277, ClinGen allele CA4926036.